The following is an entry in ClinVar:

NM_198586.3(NHLRC1):c.391G>A (p.Gly131Arg)

Gene: NHLRC1 (NHL repeat containing E3 ubiquitin protein ligase 1; minus strand). Cytogenetic location: 6p22.3.
Variant type: single nucleotide variant.
Coding change: c.391G>A on transcript NM_198586.3 (MANE Select); coding-DNA position 391, G replaced by A.
Protein change: p.Gly131Arg; replaces glycine 131 with arginine.
Molecular consequence: missense variant.
Genome position (GRCh38, 1-based): chr6:18,122,216, C>T on the plus strand (G>A on the coding strand, the complement: NHLRC1 is on the minus strand). VCF-style: chr6-18122216-C-T. GRCh37 (hg19) VCF-style: chr6-18122447-C-T.
Other names: short protein forms G131R.
Identifiers: ClinVar variation 1329489 (VCV001329489.3), dbSNP rs967125703, ClinGen allele CA134960017.

ClinVar aggregate classification (germline): Likely pathogenic (1 of 4 stars; one submission).

Conditions:
Lafora disease. Also called: Epilepsy progressive myoclonic 2. Identifiers: Orphanet 501, MedGen C0751783, MONDO:0009697.

Allele frequency attached by ClinVar (database versions not stated): gnomAD exomes below 0.00001.

Submission:

Diagnostics Services (NGS), CSIR - Centre For Cellular And Molecular Biology
Classification: Likely pathogenic for Myoclonic epilepsy of Lafora 1. Last evaluated: 2021-11-17. Review status: criteria provided, single submitter. Criteria: ACMG Guidelines, 2015. Collection method: clinical testing. Allele origin: germline. Inheritance: Autosomal recessive inheritance. Affected: yes. Observed: 1 variant allele, 1 homozygote.
Comment: The c.391G>A variant is not present in publicly available population databases like 1000 Genomes, Exome Variant Server (EVS), Exome Aggregation Consortium (ExAC) and Genome Aggregation Database (gnomAD). The variant is not present in Indian Exome Database and in our in-house exome database. The variant was not earlier reported to ClinVar, Human Genome Mutation Database and/or OMIM databases in any affected individuals. In-silico pathogenicity prediction programs like SIFT, PolyPhen-2, MutationTaster2, CADD etc. predicted this variant to be likely deleterious, however these predictions have not been confirmed by published functional studies. Varsome predicted this variant as VUS with minor pathogenic evidence. A nonsense variant was identified earlier in this position (NM_198586.3:c.391G>T, p.Gly131Ter) in patients affected with Lafora disease [PMID:22047982] and was reported to HGMD (ID: CM118947).